The following is an entry in ClinVar:

ClinVar aggregate classification (germline): Likely benign (1 of 4 stars; one submission).

Allele frequency attached by ClinVar (database versions not stated): gnomAD 0.01418; TOPMed 0.01706; 1000 Genomes Project 0.01897; 1000 Genomes Project 30x 0.01936.
gnomAD v4.1: 3,696 of 927,644 alleles (0.4%); highest among the groups gnomAD compares: African/African-American, 5.4%; 95 homozygotes.

Submission:

GeneDx
Classification: Likely benign. Last evaluated: 2018-06-16. Review status: criteria provided, single submitter. Criteria: GeneDx Variant Classification (06012015). Collection method: clinical testing. Allele origin: germline. Affected: yes.
Comment: This variant is considered likely benign or benign based on one or more of the following criteria: it is a conservative change, it occurs at a poorly conserved position in the protein, it is predicted to be benign by multiple in silico algorithms, and/or has population frequency not consistent with disease.

NM_002474.3(MYH11):c.790+132C>G

Gene: MYH11 (myosin heavy chain 11; minus strand). Cytogenetic location: 16p13.11.
Variant type: single nucleotide variant.
Coding change: c.790+132C>G on transcript NM_002474.3 (MANE Select); 132 bases into the intron after coding-DNA position 790, C replaced by G.
Molecular consequence: intron variant.
Genome position (GRCh38, 1-based): chr16:15,778,648, G>C on the plus strand (C>G on the coding strand, the complement: MYH11 is on the minus strand). VCF-style: chr16-15778648-G-C. GRCh37 (hg19) VCF-style: chr16-15872505-G-C.
Other names: c.790+132C>G (NM_022844.3); c.811+132C>G (NM_001040114.2, NM_001040113.2).
Identifiers: ClinVar variation 676024 (VCV000676024.1), dbSNP rs11863258, ClinGen allele CA278596338.